The following is an entry in ClinVar:

ClinVar aggregate classification (germline): Conflicting classifications of pathogenicity. Review status: criteria provided, conflicting classifications (1 of 4 stars). 3 submissions from 3 submitters: Uncertain significance (1); Likely benign (2). Last evaluated 2025-06-23.

Conditions:
Microcephaly with or without chorioretinopathy, lymphedema, or impaired intellectual development. Also called: Microcephaly with or without chorioretinopathy, lymphedema, or mental retardation; MICROCEPHALY AND CHORIORETINOPATHY WITH OR WITHOUT MENTAL RETARDATION, AUTOSOMAL DOMINANT; MICROCEPHALY, LYMPHEDEMA, CHORIORETINAL DYSPLASIA SYNDROME; Microcephaly lymphedema chorioretinal dysplasia; Microcephaly with or without chorioretinopathy, lymphedema, or intellectual disability. Identifiers: Orphanet 2526, MedGen C1835265, MONDO:0007918, OMIM 152950.

Allele frequency attached by ClinVar (database versions not stated): gnomAD exomes 0.00003 and 0.00002; ExAC 0.00002; TOPMed 0.00001; gnomAD 0.00001.
gnomAD v4.1: 36 of 1,612,812 alleles (0.0022%); highest among the groups gnomAD compares: Non-Finnish European, 0.0029%; no homozygotes.

Submissions (3):

Labcorp Genetics (formerly Invitae), Labcorp
Classification: Likely benign. Last evaluated: 2025-06-23. Review status: criteria provided, single submitter. Criteria: Invitae Variant Classification Sherloc (09022015). Collection method: clinical testing. Allele origin: germline.

Clinical Genomics Laboratory, Washington University in St. Louis
Classification: Uncertain significance for Microcephaly with or without chorioretinopathy, lymphedema, or impaired intellectual development. Last evaluated: 2025-02-12. Review status: criteria provided, single submitter. Criteria: ACMG Guidelines, 2015. Collection method: clinical testing. Allele origin: germline.
Comment: A KIF11 c.2635A>G (p.Ile879Val) variant was identified at a near heterozygous allelic fraction of 46%, a frequency which may be consistent with germline origin. This variant, to our knowledge, has not been reported in the medical literature and is observed on 36/1,612,812 alleles in the general population (gnomAD v.4.1.0). The KIF11 c.2635A>G (p.Ile879Val) variant has been reported in the ClinVar database as a germline variant of uncertain significance by one submitter (ClinVar ID: 1521574). Computational predictors suggest that the variant does not impact KIF11 function. Due to limited information, and based on ACMG/AMP guidelines for variant interpretation (Richards S et al., PMID: 25741868), the clinical significance of this variant is uncertain at this time.

Blueprint Genetics
Classification: Likely benign. Last evaluated: 2024-11-13. Review status: criteria provided, single submitter. Criteria: ACMG Guidelines, 2015. Collection method: clinical testing. Allele origin: germline.

NM_004523.4(KIF11):c.2635A>G (p.Ile879Val)

Gene: KIF11 (kinesin family member 11; plus strand). Cytogenetic location: 10q23.33.
Variant type: single nucleotide variant.
Coding change: c.2635A>G on transcript NM_004523.4 (MANE Select); coding-DNA position 2635, A replaced by G.
Protein change: p.Ile879Val; replaces isoleucine 879 with valine.
Molecular consequence: missense variant.
Genome position (GRCh38, 1-based): chr10:92,648,299, A>G. VCF-style: chr10-92648299-A-G. GRCh37 (hg19) VCF-style: chr10-94408056-A-G.
Other names: short protein forms I879V.
Identifiers: ClinVar variation 1521574 (VCV001521574.8), dbSNP rs752393043, ClinGen allele CA5604433.
Genomic context (GRCh38, chr10:92,648,299, plus strand): 5'-AGTTCAGACATCACTGAGAAATCAGATGGACGTAAGGCAGCTCATGAGAAACAGCATAAC[A>G]TTTTTCTTGATCAGATGACTATTGATGAAGATAAATTGATAGCACAAAATCTAGAACTTA-3'
Protein context (NP_004514.2, residues 869-889): RKAAHEKQHN[Ile879Val]FLDQMTIDED